The following is an entry in ClinVar:

ClinVar aggregate classification (germline): Uncertain significance (1 of 4 stars; one submission).

Conditions:
Baraitser-Winter syndrome 1 (BRWS1). Also called: BARAITSER-WINTER SYNDROME 1, ATYPICAL; PACHYGYRIA, MENTAL RETARDATION, EPILEPSY, AND CHARACTERISTIC FACIES; MENTAL RETARDATION WITH EPILEPSY AND CHARACTERISTIC FACIES; Cerebrofrontofacial syndrome. Identifiers: Orphanet 2649, Orphanet 2995, MedGen C1855722, MONDO:0009470, OMIM 243310.

Submission:

Labcorp Genetics (formerly Invitae), Labcorp
Classification: Uncertain significance for Baraitser-Winter syndrome 1. Last evaluated: 2026-01-08. Review status: criteria provided, single submitter. Criteria: Invitae Variant Classification Sherloc (09022015). Collection method: clinical testing. Allele origin: germline.
Comment: This sequence change replaces isoleucine, which is neutral and non-polar, with valine, which is neutral and non-polar, at codon 282 of the ACTB protein (p.Ile282Val). This variant is not present in population databases (gnomAD no frequency). This variant has not been reported in the literature in individuals affected with ACTB-related conditions. Invitae Evidence Modeling of protein sequence and biophysical properties (such as structural, functional, and spatial information, amino acid conservation, physicochemical variation, residue mobility, and thermodynamic stability) indicates that this missense variant is not expected to disrupt ACTB protein function with a negative predictive value of 80%. In summary, the available evidence is currently insufficient to determine the role of this variant in disease. Therefore, it has been classified as a Variant of Uncertain Significance.

NM_001101.5(ACTB):c.844A>G (p.Ile282Val)

Gene: ACTB (actin beta; minus strand). Cytogenetic location: 7p22.1.
Variant type: single nucleotide variant.
Coding change: c.844A>G on transcript NM_001101.5 (MANE Select); coding-DNA position 844, A replaced by G.
Protein change: p.Ile282Val; replaces isoleucine 282 with valine.
Molecular consequence: missense variant.
Genome position (GRCh38, 1-based): chr7:5,528,144, T>C on the plus strand (A>G on the coding strand, the complement: ACTB is on the minus strand). VCF-style: chr7-5528144-T-C. GRCh37 (hg19) VCF-style: chr7-5567775-T-C.
Other names: short protein forms I282V.
Identifiers: ClinVar variation 4797720 (VCV004797720.1).